The following is an entry in ClinVar:

ClinVar aggregate classification (germline): Uncertain significance. Review status: criteria provided, multiple submitters, no conflicts (2 of 4 stars). 2 submissions from 2 submitters: Uncertain significance (2). Last evaluated 2022-01-17.

Conditions:
Fanconi anemia complementation group Q. Identifiers: Orphanet 84, MedGen C3808988, MONDO:0014108, OMIM 615272.
Xeroderma pigmentosum, group F (XPF). Also called: ERCC4-Related Xeroderma Pigmentosum; XERODERMA PIGMENTOSUM VI; XP, GROUP F; XERODERMA PIGMENTOSUM, COMPLEMENTATION GROUP F; XERODERMA PIGMENTOSUM, TYPE F; Xeroderma pigmentosum, type 6. Identifiers: MedGen C0268140, MONDO:0010215, OMIM 278760.
Cockayne syndrome. Identifiers: Orphanet 191, MedGen C0009207, MONDO:0016006.

Allele frequency attached by ClinVar (database versions not stated): TOPMed below 0.00001; gnomAD 0.00001; gnomAD exomes 0.00001.

Submissions (2):

Labcorp Genetics (formerly Invitae), Labcorp
Classification: Uncertain significance for Fanconi anemia complementation group Q; Xeroderma pigmentosum, group F; Cockayne syndrome. Last evaluated: 2022-01-17. Review status: criteria provided, single submitter. Criteria: Invitae Variant Classification Sherloc (09022015). Collection method: clinical testing. Allele origin: germline.
Comment: This sequence change replaces threonine, which is neutral and polar, with isoleucine, which is neutral and non-polar, at codon 552 of the ERCC4 protein (p.Thr552Ile). This variant is present in population databases (rs549865610, gnomAD 0.0009%). This variant has not been reported in the literature in individuals affected with ERCC4-related conditions. ClinVar contains an entry for this variant (Variation ID: 1319885). Algorithms developed to predict the effect of missense changes on protein structure and function output the following: SIFT: "Tolerated"; PolyPhen-2: "Benign"; Align-GVGD: "Class C0". The isoleucine amino acid residue is found in multiple mammalian species, which suggests that this missense change does not adversely affect protein function. In summary, the available evidence is currently insufficient to determine the role of this variant in disease. Therefore, it has been classified as a Variant of Uncertain Significance.

Institute for Clinical Genetics, University Hospital TU Dresden, University Hospital TU Dresden
Classification: Uncertain significance. Last evaluated: 2021-11-03. Review status: criteria provided, single submitter. Criteria: ACMG Guidelines, 2015. Collection method: clinical testing. Allele origin: germline.

NM_005236.3(ERCC4):c.1655C>T (p.Thr552Ile)

Gene: ERCC4 (ERCC excision repair 4, endonuclease catalytic subunit; plus strand). Cytogenetic location: 16p13.12.
Variant type: single nucleotide variant.
Coding change: c.1655C>T on transcript NM_005236.3 (MANE Select); coding-DNA position 1655, C replaced by T.
Protein change: p.Thr552Ile; replaces threonine 552 with isoleucine.
Molecular consequence: missense variant.
Genome position (GRCh38, 1-based): chr16:13,935,587, C>T. VCF-style: chr16-13935587-C-T. GRCh37 (hg19) VCF-style: chr16-14029444-C-T.
Other names: short protein forms T552I.
Identifiers: ClinVar variation 1319885 (VCV001319885.7), dbSNP rs549865610, ClinGen allele CA278471998.